The following is an entry in ClinVar:

ClinVar aggregate classification (germline): Pathogenic. Review status: criteria provided, multiple submitters, no conflicts (2 of 4 stars). 3 submissions from 3 submitters: Pathogenic (2). 1 of the submissions does not count toward it. Last evaluated 2023-01-23.

Conditions:
Neurodevelopmental disorder. Identifiers: MedGen C1535926, MeSH D065886, MONDO:0700092.
Poirier-Bienvenu neurodevelopmental syndrome (POBINDS). Identifiers: Orphanet 689397, MedGen C5231482, MONDO:0032889, OMIM 618732.
Inborn genetic diseases. Identifiers: MedGen C0950123, MeSH D030342.

Submissions (3):

Ambry Genetics
Classification: Pathogenic for Inborn genetic diseases. Last evaluated: 2023-01-23. Review status: criteria provided, single submitter. Criteria: Ambry Variant Classification Scheme 2023. Collection method: clinical testing. Allele origin: germline.
Comment: The c.495_496delCA (p.M166Afs*79) alteration, located in exon 6 (coding exon 5) of the CSNK2B gene, results from a deletion of 2 nucleotides from position 495 to 496. This alteration occurs at the 3' terminus of the CSNK2B gene, is not expected to trigger nonsense-mediated mRNA decay and results in the elongation of the protein by 28 amino acids. This frameshift impacts the last 50 amino acids of the native protein. Frameshifts are typically deleterious in nature and a significant portion of the protein is affected (Ambry internal data). This variant was not reported in population-based cohorts in the Genome Aggregation Database (gnomAD). Based on the available evidence, this alteration is classified as pathogenic.

Laboratory of Molecular Genetics (Pr. Bezieau's lab), CHU de Nantes
Classification: Pathogenic for Neurodevelopmental disorder. Last evaluated: 2021-12-16. Review status: criteria provided, single submitter. Criteria: ACMG Guidelines, 2015. Collection method: clinical testing. Allele origin: germline. Affected: yes.

Solve-RD Consortium
Classification: Likely pathogenic for Poirier-Bienvenu neurodevelopmental syndrome. Last evaluated: 2022-06-01. Review status: no assertion criteria provided. Collection method: provider interpretation. Allele origin: inherited. Affected: yes. Not counted in ClinVar's aggregate classification.
Comment: Variant confirmed as disease-causing by referring clinical team

Variant identified during reanalysis of unsolved cases by the Solve-RD project. The Solve-RD project has received funding from the European Union’s Horizon 2020 research and innovation programme under grant agreement No 779257.

Literature cited by the submitters: PubMed 39825153 (cited by Solve-RD Consortium).

NM_001320.7(CSNK2B):c.495_496del (p.Met166fs)

Gene: CSNK2B (casein kinase 2 beta; plus strand). Cytogenetic location: 6p21.33.
Variant type: Microsatellite.
Coding change: c.495_496del on transcript NM_001320.7 (MANE Select); coding-DNA positions 495 to 496, 2 bases deleted (CA; older notation c.495_496delCA).
Protein change: p.Met166fs; shifts the reading frame from methionine 166.
Molecular consequence: frameshift variant.
Genome position (GRCh38, 1-based): chr6:31,669,446-31,669,447, CA deleted; deleting any 2 consecutive bases within chr6:31,669,444-31,669,447 gives the same sequence; the c. name uses the placement nearest the transcript's 3' end. VCF-style (leftmost placement, unchanged base first): chr6-31669443-TCA-T. GRCh37 (hg19) VCF-style: chr6-31637220-TCA-T.
Other names: c.495_496delCA (NM_001320.5); c.486_487del, p.Met163fs (NM_001282385.2); short protein forms M163fs, M166fs.
Identifiers: ClinVar variation 1701847 (VCV001701847.4), dbSNP rs2151188957, ClinGen allele CA2580614852.